The following is an entry in ClinVar:

NM_015046.7(SETX):c.*561A>C

Gene: SETX (senataxin; minus strand). Cytogenetic location: 9q34.13.
Variant type: single nucleotide variant.
Coding change: c.*561A>C on transcript NM_015046.7 (MANE Select); 561 bases downstream of the stop codon, A replaced by C.
Molecular consequence: 3 prime UTR variant.
Genome position (GRCh38, 1-based): chr9:132,263,678, T>G on the plus strand (A>C on the coding strand, the complement: SETX is on the minus strand). VCF-style: chr9-132263678-T-G. GRCh37 (hg19) VCF-style: chr9-135139065-T-G.
Other names: c.*561A>C (NM_001351527.2, NM_001351528.2).
Identifiers: ClinVar variation 365330 (VCV000365330.5), dbSNP rs73661150, ClinGen allele CA10632596.
Genomic context (GRCh38, chr9:132,263,678, plus strand): 5'-TACCTAACATAACCGTGCTGCCCAAAGTGTCCCCTAGGAGACTCCAGGTTTTTGGGGGGG[T>G]TTTTGCTTTTTTTAATAGAGCCAGAGACACCTGACCCACCAGCACTAACTCAGCTTATTC-3'

ClinVar aggregate classification (germline): Benign. Review status: criteria provided, single submitter (1 of 4 stars). 2 submissions from 1 submitter: Benign (2). Last evaluated 2018-01-13.

Conditions:
Spinocerebellar ataxia, autosomal recessive, with axonal neuropathy 2 (SCAN2). Also called: ATAXIA-OCULOMOTOR APRAXIA 2; Ataxia-ocular apraxia-2; Ataxia with Oculomotor Apraxia; Ataxia with Oculomotor Apraxia Type 2. Identifiers: Orphanet 64753, MedGen C1853761, MONDO:0018996, OMIM 606002.
Amyotrophic lateral sclerosis type 4 (ALS4). Also called: AMYOTROPHIC LATERAL SCLEROSIS 4, JUVENILE; NEURONOPATHY, DISTAL HEREDITARY MOTOR, WITH PYRAMIDAL FEATURES. Identifiers: Orphanet 357043, MedGen C1865409, MONDO:0011223, OMIM 602433.

Allele frequency attached by ClinVar (database versions not stated): gnomAD exomes 0.01161; 1000 Genomes Project 0.01797; 1000 Genomes Project 30x 0.01811; TOPMed 0.01931; gnomAD 0.02110 and 0.02138.
gnomAD v4.1: 3,182 of 152,260 alleles (2.1%); highest among the groups gnomAD compares: Middle Eastern, 3.4%; 47 homozygotes.

Submissions (2):

Illumina Laboratory Services, Illumina
Classification: Benign for Spinocerebellar ataxia, autosomal recessive, with axonal neuropathy 2. Last evaluated: 2018-01-13. Review status: criteria provided, single submitter. Criteria: ICSL Variant Classification Criteria 13 December 2019. Collection method: clinical testing. Allele origin: germline.
Comment: This variant was observed in the ICSL laboratory as part of a predisposition screen in an ostensibly healthy population. It had not been previously curated by ICSL or reported in the Human Gene Mutation Database (HGMD: prior to June 1st, 2018), and was therefore a candidate for classification through an automated scoring system. Utilizing variant allele frequency, disease prevalence and penetrance estimates, and inheritance mode, an automated score was calculated to assess if this variant is too frequent to cause the disease. Based on the score and internal cut-off values, a variant classified as benign is not then subjected to further curation. The score for this variant resulted in a classification of benign for this disease.

Illumina Laboratory Services, Illumina
Classification: Benign for Amyotrophic lateral sclerosis type 4. Last evaluated: 2018-01-13. Review status: criteria provided, single submitter. Criteria: ICSL Variant Classification Criteria 13 December 2019. Collection method: clinical testing. Allele origin: germline.
Comment: the same text as in the submission from Illumina Laboratory Services, Illumina above.